The following is an entry in ClinVar:

NM_001129.5(AEBP1):c.145C>T (p.Pro49Ser)

Gene: AEBP1 (AE binding protein 1; plus strand). Cytogenetic location: 7p13.
Variant type: single nucleotide variant.
Coding change: c.145C>T on transcript NM_001129.5 (MANE Select); coding-DNA position 145, C replaced by T.
Protein change: p.Pro49Ser; replaces proline 49 with serine.
Molecular consequence: missense variant.
Genome position (GRCh38, 1-based): chr7:44,104,810, C>T. VCF-style: chr7-44104810-C-T. GRCh37 (hg19) VCF-style: chr7-44144409-C-T.
Other names: short protein forms P49S.
Identifiers: ClinVar variation 1438563 (VCV001438563.6), dbSNP rs1430520850, ClinGen allele CA367355767.

ClinVar aggregate classification (germline): Uncertain significance (1 of 4 stars; one submission).

Allele frequency attached by ClinVar (database versions not stated): gnomAD exomes below 0.00001.

Submission:

Labcorp Genetics (formerly Invitae), Labcorp
Classification: Uncertain significance. Last evaluated: 2021-08-05. Review status: criteria provided, single submitter. Criteria: Invitae Variant Classification Sherloc (09022015). Collection method: clinical testing. Allele origin: germline.
Comment: In summary, the available evidence is currently insufficient to determine the role of this variant in disease. Therefore, it has been classified as a Variant of Uncertain Significance. Algorithms developed to predict the effect of missense changes on protein structure and function output the following: SIFT: "Deleterious"; PolyPhen-2: "Not Available"; Align-GVGD: "Class C0". The serine amino acid residue is found in multiple mammalian species, which suggests that this missense change does not adversely affect protein function. This variant has not been reported in the literature in individuals affected with AEBP1-related conditions. This variant is not present in population databases (ExAC no frequency). This sequence change replaces proline with serine at codon 49 of the AEBP1 protein (p.Pro49Ser). The proline residue is weakly conserved and there is a moderate physicochemical difference between proline and serine.